The following is an entry in ClinVar:

ClinVar aggregate classification (germline): Uncertain significance. Review status: criteria provided, multiple submitters, no conflicts (2 of 4 stars). 2 submissions from 2 submitters: Uncertain significance (2). Last evaluated 2026-01-20.

Conditions:
Inborn genetic diseases. Identifiers: MedGen C0950123, MeSH D030342.

Allele frequency attached by ClinVar (database versions not stated): ExAC 0.00001; gnomAD exomes 0.00001 and 0.00002; TOPMed 0.00001; gnomAD 0.00002; ESP Exome Variant Server 0.00008.
gnomAD v4.1: 17 of 1,613,862 alleles (0.0011%); highest among the groups gnomAD compares: African/African-American, 0.004%; no homozygotes.

Submissions (2):

Ambry Genetics
Classification: Uncertain significance for Inborn genetic diseases. Last evaluated: 2026-01-20. Review status: criteria provided, single submitter. Criteria: Ambry Variant Classification Scheme 2023. Collection method: clinical testing. Allele origin: germline.

Labcorp Genetics (formerly Invitae), Labcorp
Classification: Uncertain significance. Last evaluated: 2022-06-28. Review status: criteria provided, single submitter. Criteria: Invitae Variant Classification Sherloc (09022015). Collection method: clinical testing. Allele origin: germline.
Comment: This variant is present in population databases (rs374025949, gnomAD 0.01%). This sequence change replaces isoleucine, which is neutral and non-polar, with threonine, which is neutral and polar, at codon 139 of the COL13A1 protein (p.Ile139Thr). This variant has not been reported in the literature in individuals affected with COL13A1-related conditions. In summary, the available evidence is currently insufficient to determine the role of this variant in disease. Therefore, it has been classified as a Variant of Uncertain Significance. Algorithms developed to predict the effect of missense changes on protein structure and function are either unavailable or do not agree on the potential impact of this missense change (SIFT: "Deleterious"; PolyPhen-2: "Probably Damaging"; Align-GVGD: "Class C0").

NM_001368882.1(COL13A1):c.416T>C (p.Ile139Thr)

Gene: COL13A1 (collagen type XIII alpha 1 chain; plus strand). Cytogenetic location: 10q22.1.
Variant type: single nucleotide variant.
Coding change: c.416T>C on transcript NM_001368882.1 (MANE Select); coding-DNA position 416, T replaced by C.
Protein change: p.Ile139Thr; replaces isoleucine 139 with threonine.
Molecular consequence: missense variant. On other transcripts: intron variant (9).
Genome position (GRCh38, 1-based): chr10:69,875,144, T>C. VCF-style: chr10-69875144-T-C. GRCh37 (hg19) VCF-style: chr10-71634900-T-C.
Other names: c.399+2934T>C (NM_080805.4, NM_001368897.1); c.373-5359T>C (NM_001368895.1); c.372+7339T>C (NM_001368898.1, NM_080798.4, NM_001368896.1); c.416T>C, p.Ile139Thr (NM_001130103.2, NM_001320951.2, NM_001368884.1 and 3 more transcripts); c.-254-2895T>C (NM_001368886.1); c.400-2895T>C (NM_001368883.1, NM_001368885.1); c.416T>C (NM_001130103.1); short protein forms I139T.
Identifiers: ClinVar variation 1444072 (VCV001444072.6), dbSNP rs374025949, ClinGen allele CA5534135.